The following is an entry in ClinVar:

ClinVar aggregate classification (germline): Pathogenic. Review status: criteria provided, multiple submitters, no conflicts (2 of 4 stars). 3 submissions from 3 submitters: Pathogenic (2). 1 of the submissions does not count toward it. Last evaluated 2025-03-04.

Conditions:
Diamond-Blackfan anemia. Also called: Blackfan Diamond syndrome; Aregenerative anemia chronic congenital; Red cell aplasia, pure hereditary; Congenital hypoplastic anemia; Aase syndrome. Identifiers: Orphanet 124, MedGen C1260899, MeSH D029503, MONDO:0015253, HP:0004810.
Diamond-Blackfan anemia 3 (DBA3). Also called: RPS24-Related Diamond-Blackfan Anemia. Identifiers: Orphanet 124, MedGen C1857719, MONDO:0012529, OMIM 610629.

Submissions (3):

Center for Genomic Medicine, Rigshospitalet, Copenhagen University Hospital
Classification: Pathogenic. Last evaluated: 2025-03-04. Review status: criteria provided, single submitter. Criteria: ACMG Guidelines, 2015. Collection method: clinical testing. Allele origin: germline.

Labcorp Genetics (formerly Invitae), Labcorp
Classification: Pathogenic for Diamond-Blackfan anemia. Last evaluated: 2017-12-29. Review status: criteria provided, single submitter. Criteria: Invitae Variant Classification Sherloc (09022015). Collection method: clinical testing. Allele origin: germline.
Comment: For these reasons, this variant has been classified as Pathogenic. Loss-of-function variants in RPS24 are known to be pathogenic (PMID: 17186470, 20960466). This variant has been reported in an individual affected with Diamond-Blackfan anemia (PMID: 17186470). ClinVar contains an entry for this variant (Variation ID: 7246). This variant is not present in population databases (ExAC no frequency). This sequence change creates a premature translational stop signal (p.Arg16*) in the RPS24 gene. It is expected to result in an absent or disrupted protein product.

OMIM
Classification: Pathogenic for DIAMOND-BLACKFAN ANEMIA 3. Last evaluated: 2006-12-01. Review status: no assertion criteria provided. Collection method: literature only. Allele origin: germline. Not counted in ClinVar's aggregate classification.

Literature cited by the submitters: PubMed 17186470 (cited by 3 submitters); PubMed 20960466 (cited by Labcorp Genetics (formerly Invitae), Labcorp).

NM_033022.4(RPS24):c.46C>T (p.Arg16Ter)

Gene: RPS24 (ribosomal protein S24; plus strand). Cytogenetic location: 10q22.3.
Variant type: single nucleotide variant.
Coding change: c.46C>T on transcript NM_033022.4 (MANE Select); coding-DNA position 46, C replaced by T.
Protein change: p.Arg16Ter; replaces arginine 16 with a stop codon.
Molecular consequence: nonsense.
Genome position (GRCh38, 1-based): chr10:78,035,394, C>T. VCF-style: chr10-78035394-C-T. GRCh37 (hg19) VCF-style: chr10-79795152-C-T.
Other names: c.46C>T, p.Arg16Ter (NM_001026.5, NM_001142282.2, NM_001142283.2 and 2 more transcripts); short protein forms R16*.
Identifiers: ClinVar variation 7246 (VCV000007246.12), dbSNP rs104894189, ClinGen allele CA340658.
Genomic context (GRCh38, chr10:78,035,394, plus strand): 5'-GAGTGTTTATGTTTTCAGAACGACACCGTAACTATCCGCACTAGAAAGTTCATGACCAAC[C>T]GACTACTTCAGAGGAAACAAATGGTAAGGAAGGGCACATCAATCTTTGCTTAATTGTCCT-3'